The following is an entry in ClinVar:

ClinVar aggregate classification (germline): Uncertain significance (1 of 4 stars; one submission).

Conditions:
SEMA3G-related disorder. Also called: SEMA3G-related condition.

Submission:

PreventionGenetics, part of Exact Sciences
Classification: Uncertain significance for SEMA3G-related condition. Last evaluated: 2026-05-28. Review status: criteria provided, single submitter. Criteria: ACMG Guidelines, 2015. Collection method: clinical testing. Allele origin: germline.
Comment: The SEMA3G c.484A>G variant is predicted to result in the amino acid substitution p.Ser162Gly. To our knowledge, this variant has not been reported in the literature or in a large population database (gnomAD), indicating this variant is rare. At this time, the clinical significance of this variant is uncertain due to the absence of conclusive functional and genetic evidence.

NM_020163.3(SEMA3G):c.484A>G (p.Ser162Gly)

Gene: SEMA3G (semaphorin 3G; minus strand). Cytogenetic location: 3p21.1.
Variant type: single nucleotide variant.
Coding change: c.484A>G on transcript NM_020163.3 (MANE Select); coding-DNA position 484, A replaced by G.
Protein change: p.Ser162Gly; replaces serine 162 with glycine.
Molecular consequence: missense variant.
Genome position (GRCh38, 1-based): chr3:52,441,885, T>C on the plus strand (A>G on the coding strand, the complement: SEMA3G is on the minus strand). VCF-style: chr3-52441885-T-C. GRCh37 (hg19) VCF-style: chr3-52475901-T-C.
Other names: short protein forms S162G.
Identifiers: ClinVar variation 4994526 (VCV004994526.1).
Genomic context (GRCh38, chr3:52,441,885, plus strand): 5'-AGGTGCTGGCAAAGGGACGGCTGGGCTCGTGAGGGCACCGCCCCCGGCCACTTTCCACAC[T>C]GCCAGGCTCCAGGTGGAGCACATGCTAGTGGGAGGGAGAGAGGGAGGGAGGGGCGTCACC-3'
Protein context (NP_064548.1, residues 152-172): GEHVLHLEPG[Ser162Gly]VESGRGRCPH